The following is an entry in ClinVar:

NM_001849.4(COL6A2):c.565G>T (p.Ala189Ser)

Gene: COL6A2 (collagen type VI alpha 2 chain; plus strand). Cytogenetic location: 21q22.3.
Variant type: single nucleotide variant.
Coding change: c.565G>T on transcript NM_001849.4 (MANE Select); coding-DNA position 565, G replaced by T.
Protein change: p.Ala189Ser; replaces alanine 189 with serine.
Molecular consequence: missense variant.
Genome position (GRCh38, 1-based): chr21:46,112,428, G>T. VCF-style: chr21-46112428-G-T. GRCh37 (hg19) VCF-style: chr21-47532342-G-T.
Other names: c.565G>T, p.Ala189Ser (NM_058174.3, NM_058175.3); short protein forms A189S.
Identifiers: ClinVar variation 894864 (VCV000894864.13), dbSNP rs765361834, ClinGen allele CA10071337.

ClinVar aggregate classification (germline): Conflicting classifications of pathogenicity. Review status: criteria provided, conflicting classifications (1 of 4 stars). 2 submissions from 2 submitters: Uncertain significance (1); Benign (1). Last evaluated 2019-07-31.

Conditions:
Bethlem myopathy 1A. Also called: MYOPATHY, BENIGN CONGENITAL, WITH CONTRACTURES; Bethlem myopathy 1; Bethlem Muscular Dystrophy. Identifiers: Orphanet 610, MedGen CN029274, MONDO:0024530, OMIM 158810.
Collagen 6-related myopathy. Identifiers: MedGen CN117976, MONDO:0100225.

Allele frequency attached by ClinVar (database versions not stated): TOPMed 0.00002.
gnomAD v4.1: 7 of 1,609,180 alleles (0.00044%); highest among the groups gnomAD compares: East Asian, 0.016%; no homozygotes.

Submissions (2):

Labcorp Genetics (formerly Invitae), Labcorp
Classification: Uncertain significance for Bethlem myopathy 1A. Last evaluated: 2019-07-31. Review status: criteria provided, single submitter. Criteria: Invitae Variant Classification Sherloc (09022015). Collection method: clinical testing. Allele origin: germline.
Comment: In summary, the available evidence is currently insufficient to determine the role of this variant in disease. Therefore, it has been classified as a Variant of Uncertain Significance. Algorithms developed to predict the effect of missense changes on protein structure and function output the following: SIFT: "Tolerated"; PolyPhen-2: "Benign"; Align-GVGD: "Class C0". The serine amino acid residue is found in multiple mammalian species, suggesting that this missense change does not adversely affect protein function. These predictions have not been confirmed by published functional studies and their clinical significance is uncertain. This variant has not been reported in the literature in individuals with COL6A2-related conditions. This variant is present in population databases (rs765361834, ExAC 0.04%). This sequence change replaces alanine with serine at codon 189 of the COL6A2 protein (p.Ala189Ser). The alanine residue is moderately conserved and there is a moderate physicochemical difference between alanine and serine.

Illumina Laboratory Services, Illumina
Classification: Benign for Collagen VI-related myopathy. Last evaluated: 2018-01-12. Review status: criteria provided, single submitter. Criteria: ICSL Variant Classification Criteria 13 December 2019. Collection method: clinical testing. Allele origin: germline.
Comment: This variant was observed in the ICSL laboratory as part of a predisposition screen in an ostensibly healthy population. It had not been previously curated by ICSL or reported in the Human Gene Mutation Database (HGMD: prior to June 1st, 2018), and was therefore a candidate for classification through an automated scoring system. Utilizing variant allele frequency, disease prevalence and penetrance estimates, and inheritance mode, an automated score was calculated to assess if this variant is too frequent to cause the disease. Based on the score and internal cut-off values, a variant classified as benign is not then subjected to further curation. The score for this variant resulted in a classification of benign for this disease.